The following is an entry in ClinVar:

NM_001567.4(INPPL1):c.1994G>A (p.Arg665Gln)

Gene: INPPL1 (inositol polyphosphate phosphatase like 1; plus strand). Cytogenetic location: 11q13.4.
Variant type: single nucleotide variant.
Coding change: c.1994G>A on transcript NM_001567.4 (MANE Select); coding-DNA position 1994, G replaced by A.
Protein change: p.Arg665Gln; replaces arginine 665 with glutamine.
Molecular consequence: missense variant.
Genome position (GRCh38, 1-based): chr11:72,233,117, G>A. VCF-style: chr11-72233117-G-A. GRCh37 (hg19) VCF-style: chr11-71944161-G-A.
Other names: short protein forms R665Q.
Identifiers: ClinVar variation 1017155 (VCV001017155.6), dbSNP rs755180843, ClinGen allele CA6170206.

ClinVar aggregate classification (germline): Uncertain significance (1 of 4 stars; one submission).

Allele frequency attached by ClinVar (database versions not stated): gnomAD 0.00001; ExAC 0.00002; gnomAD exomes 0.00002; TOPMed 0.00002.

Submission:

Labcorp Genetics (formerly Invitae), Labcorp
Classification: Uncertain significance. Last evaluated: 2021-08-28. Review status: criteria provided, single submitter. Criteria: Invitae Variant Classification Sherloc (09022015). Collection method: clinical testing. Allele origin: germline.
Comment: This sequence change replaces arginine with glutamine at codon 665 of the INPPL1 protein (p.Arg665Gln). The arginine residue is highly conserved and there is a small physicochemical difference between arginine and glutamine. This variant is present in population databases (rs755180843, ExAC 0.003%). This variant has not been reported in the literature in individuals affected with INPPL1-related conditions. Algorithms developed to predict the effect of missense changes on protein structure and function are either unavailable or do not agree on the potential impact of this missense change (SIFT: "Tolerated"; PolyPhen-2: "Probably Damaging"; Align-GVGD: "Class C0"). Algorithms developed to predict the effect of sequence changes on RNA splicing suggest that this variant may create or strengthen a splice site. In summary, the available evidence is currently insufficient to determine the role of this variant in disease. Therefore, it has been classified as a Variant of Uncertain Significance.